The following is an entry in ClinVar:

ClinVar aggregate classification (germline): Uncertain significance (1 of 4 stars; one submission).

Conditions:
Pseudo-Hurler polydystrophy. Also called: ML III; ML III ALPHA/BETA; Type III Mucolipidosis; ML IIIA; Mucolipidosis III Alpha/Beta; MUCOLIPIDOSIS IIIA. Identifiers: Orphanet 423461, Orphanet 577, MedGen C0033788, MONDO:0018931, OMIM 252600.
Mucolipidosis type II. Also called: ML II ALPHA/BETA; Mucolipidosis 2; ML 2; Inclusion cell disease; Leroy Disease; N-acetylglucosamine 1phosphotransferase deficiency. Identifiers: Orphanet 576, MedGen C2673377, MONDO:0009650, OMIM 252500.

Submission:

Labcorp Genetics (formerly Invitae), Labcorp
Classification: Uncertain significance for Pseudo-Hurler polydystrophy; Mucolipidosis type II. Last evaluated: 2022-08-16. Review status: criteria provided, single submitter. Criteria: Invitae Variant Classification Sherloc (09022015). Collection method: clinical testing. Allele origin: germline.
Comment: This variant has not been reported in the literature in individuals affected with GNPTAB-related conditions. In summary, the available evidence is currently insufficient to determine the role of this variant in disease. Therefore, it has been classified as a Variant of Uncertain Significance. Advanced modeling of protein sequence and biophysical properties (such as structural, functional, and spatial information, amino acid conservation, physicochemical variation, residue mobility, and thermodynamic stability) performed at Invitae indicates that this missense variant is not expected to disrupt GNPTAB protein function. ClinVar contains an entry for this variant (Variation ID: 1508022). This variant is not present in population databases (gnomAD no frequency). This sequence change replaces glutamic acid, which is acidic and polar, with glycine, which is neutral and non-polar, at codon 833 of the GNPTAB protein (p.Glu833Gly).

NM_024312.5(GNPTAB):c.2498A>G (p.Glu833Gly)

Gene: GNPTAB (N-acetylglucosamine-1-phosphate transferase subunits alpha and beta; minus strand). Cytogenetic location: 12q23.2.
Variant type: single nucleotide variant.
Coding change: c.2498A>G on transcript NM_024312.5 (MANE Select); coding-DNA position 2498, A replaced by G.
Protein change: p.Glu833Gly; replaces glutamic acid 833 with glycine.
Molecular consequence: missense variant.
Genome position (GRCh38, 1-based): chr12:101,764,419, T>C on the plus strand (A>G on the coding strand, the complement: GNPTAB is on the minus strand). VCF-style: chr12-101764419-T-C. GRCh37 (hg19) VCF-style: chr12-102158197-T-C.
Other names: short protein forms E833G.
Identifiers: ClinVar variation 1508022 (VCV001508022.8), dbSNP rs2137116285, ClinGen allele CA386298110.